The following is an entry in ClinVar:

NM_017644.3(KLHL24):c.1558G>C (p.Val520Leu)

Gene: KLHL24 (kelch like family member 24; plus strand). Cytogenetic location: 3q27.1.
Variant type: single nucleotide variant.
Coding change: c.1558G>C on transcript NM_017644.3 (MANE Select); coding-DNA position 1558, G replaced by C.
Protein change: p.Val520Leu; replaces valine 520 with leucine.
Molecular consequence: missense variant. On other transcripts: non-coding transcript variant (2).
Genome position (GRCh38, 1-based): chr3:183,672,440, G>C. VCF-style: chr3-183672440-G-C. GRCh37 (hg19) VCF-style: chr3-183390228-G-C.
Other names: c.1633G>C, p.Val545Leu (NM_001349413.1, NM_001349414.1, NM_001349415.1 and 4 more transcripts); c.1558G>C, p.Val520Leu (NM_001349419.1, NM_001349420.1, NM_001349421.1 and 5 more transcripts); c.715G>C, p.Val239Leu (NM_001349428.1, NM_001349429.1); short protein forms V520L, V239L, V545L.
Identifiers: ClinVar variation 2394648 (VCV002394648.7), dbSNP rs138664031, ClinGen allele CA2721769.

ClinVar aggregate classification (germline): Conflicting classifications of pathogenicity. Review status: criteria provided, conflicting classifications (1 of 4 stars). 4 submissions from 4 submitters: Uncertain significance (3); Benign (1). Last evaluated 2026-03-03.

Conditions:
KLHL24-related disorder. Also called: KLHL24-related condition.
Inborn genetic diseases. Identifiers: MedGen C0950123, MeSH D030342.
Cardiomyopathy (CMYO). Also called: Cardiomyopathies. Identifiers: Orphanet 167848, MedGen C0878544, MONDO:0004994, HP:0001638. Inheritance: Various modes of inheritance.

Allele frequency attached by ClinVar (database versions not stated): ExAC 0.00008; gnomAD 0.00009; TOPMed 0.00012; gnomAD exomes 0.00017; ESP Exome Variant Server 0.00023.
gnomAD v4.1: 272 of 1,612,768 alleles (0.017%); highest among the groups gnomAD compares: Non-Finnish European, 0.021%; 1 homozygote.

Submissions (4):

PreventionGenetics, part of Exact Sciences
Classification: Uncertain significance for KLHL24-related condition. Last evaluated: 2026-03-03. Review status: criteria provided, single submitter. Criteria: ACMG Guidelines, 2015. Collection method: clinical testing. Allele origin: germline.
Comment: The KLHL24 c.1558G>C variant is predicted to result in the amino acid substitution p.Val520Leu. To our knowledge, this variant has not been reported in the literature. This variant is reported in 0.016% of alleles in individuals of European (Non-Finnish) descent in gnomAD. At this time, the clinical significance of this variant is uncertain due to the absence of conclusive functional and genetic evidence.

Labcorp Genetics (formerly Invitae), Labcorp
Classification: Benign. Last evaluated: 2024-12-02. Review status: criteria provided, single submitter. Criteria: Invitae Variant Classification Sherloc (09022015). Collection method: clinical testing. Allele origin: germline.

Victorian Clinical Genetics Services, Murdoch Childrens Research Institute
Classification: Uncertain significance for Cardiomyopathy. Last evaluated: 2022-03-31. Review status: criteria provided, single submitter. Criteria: ACMG Guidelines, 2015. Collection method: clinical testing. Allele origin: germline. Inheritance: Autosomal recessive inheritance. Affected: yes.
Comment: Based on the classification scheme VCGS_Germline_v1.3.4, this variant is classified as VUS-3C. Following criteria are met: 0103 - Loss of function and gain of function are known mechanisms of disease in this gene and are associated with cardiomyopathy with lethal arrhythmias (PMID: 30715372) and epidermolysis bullosa simplex, generalized, with scarring and hair loss (MIM#617294), respectively. Heterozygous start-loss variants resulting in reduced protein degradation have been reported in individuals with the epidermolysis bullosa phenotype, while biallelic loss of function variants are suggested to result in a cardiac condition (PMID: 30715372, PMID: 27889062). (I) 0108 - This gene is associated with both recessive and dominant disease (PMID: 30715372, PMID: 27889062). (I) 0200 - Variant is predicted to result in a missense amino acid change from valine to leucine. (I) 0251 - This variant is heterozygous. (I) 0304 - Variant is present in gnomAD (v2) <0.01 for a recessive condition (22 heterozygotes, 0 homozygotes). (SP) 0309 - An alternative amino acid change at the same position has been observed in gnomAD (v2) (1 heterozygote, 0 homozygotes). (I) 0503 - Missense variant consistently predicted to be tolerated by multiple in silico tools or not conserved in placental mammals with a minor amino acid change. (SB) 0604 - Variant is not located in an established domain, motif, hotspot or informative constraint region. (I) 0705 - No comparable missense variants have previous evidence for pathogenicity. (I) 0807 - This variant has no previous evidence of pathogenicity. (I) 0905 - No published segregation evidence has been identified for this variant. (I) 1007 - No published functional evidence has been identified for this variant. (I) 1208 - Inheritance information for this variant is not currently available in this individual. (I) Legend: (SP) - Supporting pathogenic, (I) - Information, (SB) - Supporting benign

Ambry Genetics
Classification: Uncertain significance for Inborn genetic diseases. Last evaluated: 2021-08-02. Review status: criteria provided, single submitter. Criteria: Ambry Variant Classification Scheme 2023. Collection method: clinical testing. Allele origin: germline.

Literature cited by the submitters: PubMed 27889062 (cited by Victorian Clinical Genetics Services, Murdoch Childrens Research Institute); PubMed 30715372 (cited by Victorian Clinical Genetics Services, Murdoch Childrens Research Institute).